The following is an entry in ClinVar:

ClinVar aggregate classification (germline): Uncertain significance (1 of 4 stars; one submission).

Conditions:
Congenital disorder of glycosylation, type Iaa. Also called: Congenital disorder of glycosylation, type 1aa. Identifiers: MedGen C4310727, MONDO:0014904, OMIM 617082.

gnomAD v4.1: 2 of 1,577,598 alleles (0.00013%); highest among the groups gnomAD compares: Non-Finnish European, 0.00017%; no homozygotes.

Submission:

Labcorp Genetics (formerly Invitae), Labcorp
Classification: Uncertain significance for Congenital disorder of glycosylation, type Iaa. Last evaluated: 2025-03-10. Review status: criteria provided, single submitter. Criteria: Invitae Variant Classification Sherloc (09022015). Collection method: clinical testing. Allele origin: germline.
Comment: This sequence change affects codon 230 of the NUS1 mRNA. It is a 'silent' change, meaning that it does not change the encoded amino acid sequence of the NUS1 protein. It affects a nucleotide within the consensus splice site. This variant is not present in population databases (gnomAD no frequency). This variant has not been reported in the literature in individuals affected with NUS1-related conditions. Algorithms developed to predict the effect of sequence changes on RNA splicing suggest that this variant is not likely to affect RNA splicing. In summary, the available evidence is currently insufficient to determine the role of this variant in disease. Therefore, it has been classified as a Variant of Uncertain Significance.

NM_138459.5(NUS1):c.690T>C (p.Leu230=)

Gene: NUS1 (NUS1 dehydrodolichyl diphosphate synthase subunit; plus strand). Cytogenetic location: 6q22.1.
Variant type: single nucleotide variant.
Coding change: c.690T>C on transcript NM_138459.5 (MANE Select); coding-DNA position 690, T replaced by C.
Protein change: p.Leu230=; no amino-acid change (leucine 230 retained).
Molecular consequence: synonymous variant.
Genome position (GRCh38, 1-based): chr6:117,694,179, T>C. VCF-style: chr6-117694179-T-C. GRCh37 (hg19) VCF-style: chr6-118015342-T-C.
Identifiers: ClinVar variation 4806413 (VCV004806413.1).